The following is an entry in ClinVar:

NM_000459.5(TEK):c.3048A>C (p.Thr1016=)

Gene: TEK (TEK receptor tyrosine kinase; plus strand). Cytogenetic location: 9p21.2.
Variant type: single nucleotide variant.
Coding change: c.3048A>C on transcript NM_000459.5 (MANE Select); coding-DNA position 3048, A replaced by C.
Protein change: p.Thr1016=; no amino-acid change (threonine 1016 retained).
Molecular consequence: synonymous variant.
Genome position (GRCh38, 1-based): chr9:27,217,744, A>C. VCF-style: chr9-27217744-A-C. GRCh37 (hg19) VCF-style: chr9-27217742-A-C.
Other names: p.Thr1016=; c.2919A>C, p.Thr973= (NM_001290077.2); c.2604A>C, p.Thr868= (NM_001290078.2); c.3045A>C, p.Thr1015= (NM_001375475.1); c.2916A>C, p.Thr972= (NM_001375476.1).
Identifiers: ClinVar variation 4683376 (VCV004683376.1).

ClinVar aggregate classification (germline): Likely benign (1 of 4 stars; one submission).

Submission:

Mayo Clinic Laboratories, Mayo Clinic
Classification: Likely benign. Last evaluated: 2025-11-22. Review status: criteria provided, single submitter. Criteria: ACMG Guidelines, 2015. Collection method: clinical testing. Allele origin: germline. Observed: 1 variant allele.
Comment: BP4, BP7, PM2_supporting